The following is an entry in ClinVar:

NM_005120.3(MED12):c.5237C>T (p.Pro1746Leu)

Gene: MED12 (mediator complex subunit 12; plus strand). Cytogenetic location: Xq13.1.
Variant type: single nucleotide variant.
Coding change: c.5237C>T on transcript NM_005120.3 (MANE Select); coding-DNA position 5237, C replaced by T.
Protein change: p.Pro1746Leu; replaces proline 1746 with leucine.
Molecular consequence: missense variant.
Genome position (GRCh38, 1-based): chrX:71,136,492, C>T. VCF-style: chrX-71136492-C-T. GRCh37 (hg19) VCF-style: chrX-70356342-C-T.
Other names: short protein forms P1746L.
Identifiers: ClinVar variation 1312737 (VCV001312737.6), dbSNP rs2147826599, ClinGen allele CA413534570.
Genomic context (GRCh38, chrX:71,136,492, plus strand): 5'-ACCACACACACCTGAGGCCCCGGCCCCGCGCCTATTACCTGGAGCCACTGCCACTGCCCC[C>T]AGAAGATGAGGAGCCGCCTGCTCCTACCCTGCTAGAGCCTGAGAAAAAGGCTCCAGAGCC-3'
Protein context (NP_005111.2, residues 1736-1756): AYYLEPLPLP[Pro1746Leu]EDEEPPAPTL

ClinVar aggregate classification (germline): Uncertain significance. Review status: criteria provided, multiple submitters, no conflicts (2 of 4 stars). 2 submissions from 2 submitters: Uncertain significance (2). Last evaluated 2022-09-23.

Conditions:
FG syndrome (FGS). Identifiers: MedGen C0220769, MONDO:0002010.

Submissions (2):

Labcorp Genetics (formerly Invitae), Labcorp
Classification: Uncertain significance for FG syndrome. Last evaluated: 2022-09-23. Review status: criteria provided, single submitter. Criteria: Invitae Variant Classification Sherloc (09022015). Collection method: clinical testing. Allele origin: germline.
Comment: This sequence change replaces proline, which is neutral and non-polar, with leucine, which is neutral and non-polar, at codon 1746 of the MED12 protein (p.Pro1746Leu). This variant is not present in population databases (gnomAD no frequency). This variant has not been reported in the literature in individuals affected with MED12-related conditions. ClinVar contains an entry for this variant (Variation ID: 1312737). Advanced modeling of protein sequence and biophysical properties (such as structural, functional, and spatial information, amino acid conservation, physicochemical variation, residue mobility, and thermodynamic stability) has been performed at Invitae for this missense variant, however the output from this modeling did not meet the statistical confidence thresholds required to predict the impact of this variant on MED12 protein function. In summary, the available evidence is currently insufficient to determine the role of this variant in disease. Therefore, it has been classified as a Variant of Uncertain Significance.

GeneDx
Classification: Uncertain significance. Last evaluated: 2020-06-19. Review status: criteria provided, single submitter. Criteria: GeneDx Variant Classification Process June 2021. Collection method: clinical testing. Allele origin: germline. Affected: yes.
Comment: Has not been previously published as pathogenic or benign to our knowledge; Not observed in large population cohorts (Lek et al., 2016); In silico analysis supports that this missense variant has a deleterious effect on protein structure/function